The following is an entry in ClinVar:

NM_000426.4(LAMA2):c.7753_7756dup (p.Tyr2586fs)

Gene: LAMA2 (laminin subunit alpha 2; plus strand). Cytogenetic location: 6q22.33.
Variant type: Duplication.
Coding change: c.7753_7756dup on transcript NM_000426.4 (MANE Select); coding-DNA positions 7753 to 7756, 4 bases duplicated (TATT; older notation c.7753_7756dupTATT).
Protein change: p.Tyr2586fs; shifts the reading frame from tyrosine 2586.
Molecular consequence: frameshift variant.
Genome position (GRCh38, 1-based): chr6:129,486,477-129,486,480, TATT duplicated. VCF-style (leftmost placement, unchanged base first): chr6-129486476-C-CTATT. GRCh37 (hg19) VCF-style: chr6-129807621-C-CTATT.
Other names: c.7741_7744dup, p.Tyr2582fs (NM_001079823.2); short protein forms Y2582fs, Y2586fs.
Identifiers: ClinVar variation 2082372 (VCV002082372.4), dbSNP rs2533490558, ClinGen allele CA2580074966.

ClinVar aggregate classification (germline): Pathogenic (1 of 4 stars; one submission).

Conditions:
LAMA2-related muscular dystrophy (LAMA2-RD). Also called: Laminin alpha 2-related dystrophy. Identifiers: MedGen C5679788, MONDO:0100228.

Submission:

Labcorp Genetics (formerly Invitae), Labcorp
Classification: Pathogenic for LAMA2-related muscular dystrophy. Last evaluated: 2022-01-21. Review status: criteria provided, single submitter. Criteria: Invitae Variant Classification Sherloc (09022015). Collection method: clinical testing. Allele origin: germline.
Comment: This sequence change creates a premature translational stop signal (p.Tyr2586Leufs*36) in the LAMA2 gene. It is expected to result in an absent or disrupted protein product. Loss-of-function variants in LAMA2 are known to be pathogenic (PMID: 18700894, 32904964). This variant is not present in population databases (gnomAD no frequency). This variant has not been reported in the literature in individuals affected with LAMA2-related conditions. For these reasons, this variant has been classified as Pathogenic.

Literature cited by the submitters: PubMed 18700894; PubMed 32904964.